The following is an entry in ClinVar:

NM_000092.5(COL4A4):c.822A>G (p.Ile274Met)

Gene: COL4A4 (collagen type IV alpha 4 chain; minus strand). Cytogenetic location: 2q36.3.
Variant type: single nucleotide variant.
Coding change: c.822A>G on transcript NM_000092.5 (MANE Select); coding-DNA position 822, A replaced by G.
Protein change: p.Ile274Met; replaces isoleucine 274 with methionine.
Molecular consequence: missense variant.
Genome position (GRCh38, 1-based): chr2:227,103,192, T>C on the plus strand (A>G on the coding strand, the complement: COL4A4 is on the minus strand). VCF-style: chr2-227103192-T-C. GRCh37 (hg19) VCF-style: chr2-227967908-T-C.
Other names: short protein forms I274M.
Identifiers: ClinVar variation 4986543 (VCV004986543.1).
Genomic context (GRCh38, chr2:227,103,192, plus strand): 5'-TAAATAAACTACCTTGCGTCCTGGTGGTCCTGGCAGTCCAACCATTCCAGGAATTCCTTT[T>C]ATACCCTAAAAATTACAATGAATATAATTTGGTCTATTCTTATTATTTAACATACTGAAT-3'
Protein context (NP_000083.3, residues 264-284): DFCLYKGEKG[Ile274Met]KGIPGMVGLP

ClinVar aggregate classification (germline): Uncertain significance (1 of 4 stars; one submission).

Conditions:
COL4A4-related disorder.

gnomAD v4.1: 2 of 1,612,402 alleles (0.00012%); highest among the groups gnomAD compares: Non-Finnish European, 0.00017%; no homozygotes.

Submission:

PreventionGenetics, part of Exact Sciences
Classification: Uncertain significance for COL4A4-related condition. Last evaluated: 2026-02-23. Review status: criteria provided, single submitter. Criteria: ACMG Guidelines, 2015. Collection method: clinical testing. Allele origin: germline.
Comment: The COL4A4 c.822A>G variant is predicted to result in the amino acid substitution p.Ile274Met. To our knowledge, this variant has not been reported in the literature. This variant is reported in 0.00088% of alleles in individuals of European (Non-Finnish) descent in gnomAD. At this time, the clinical significance of this variant is uncertain due to the absence of conclusive functional and genetic evidence.